The following is an entry in ClinVar:

ClinVar aggregate classification (germline): Likely benign. Review status: criteria provided, multiple submitters, no conflicts (2 of 4 stars). 4 submissions from 4 submitters: Likely benign (2). 2 of the submissions do not count toward it. Last evaluated 2025-12-14.

Conditions:
MYO7A-related disorder. Also called: MYO7A-related disorders.
Usher syndrome type 1 (USH1). Also called: RETINITIS PIGMENTOSA AND CONGENITAL DEAFNESS. Identifiers: Orphanet 231169, Orphanet 886, MedGen C1568247, MONDO:0010168, OMIM 276900.
Autosomal recessive nonsyndromic hearing loss 2. Also called: DEAFNESS, AUTOSOMAL RECESSIVE 2; NEUROSENSORY NONSYNDROMIC RECESSIVE DEAFNESS 2. Identifiers: Orphanet 90636, MedGen C1838701, MONDO:0010807, OMIM 600060.

Allele frequency attached by ClinVar (database versions not stated): TOPMed 0.00006; gnomAD 0.00005.
gnomAD v4.1: 63 of 1,581,100 alleles (0.004%); highest among the groups gnomAD compares: Admixed American, 0.022%; no homozygotes.

Submissions (4):

Labcorp Genetics (formerly Invitae), Labcorp
Classification: Likely benign. Last evaluated: 2025-12-14. Review status: criteria provided, single submitter. Criteria: Invitae Variant Classification Sherloc (09022015). Collection method: clinical testing. Allele origin: germline.

Laboratory for Molecular Medicine, Mass General Brigham Personalized Medicine
Classification: Likely benign. Last evaluated: 2011-09-25. Review status: criteria provided, single submitter. Criteria: LMM Criteria. Collection method: clinical testing. Allele origin: germline. Observed: 1 variant allele.
Comment: Asp908Asp in exon 23 of MYO7A: This variant is not expected to have clinical sig nificance because it does not alter an amino acid residue and is not located nea r a splice junction.

PreventionGenetics, part of Exact Sciences
Classification: Likely benign for MYO7A-related condition. Last evaluated: 2019-07-24. Review status: no assertion criteria provided. Collection method: clinical testing. Allele origin: germline. Not counted in ClinVar's aggregate classification.
Comment: This variant is classified as likely benign based on ACMG/AMP sequence variant interpretation guidelines (Richards et al. 2015 PMID: 25741868, with internal and published modifications).

Counsyl
Classification: Likely benign for Usher syndrome type 1; Autosomal recessive nonsyndromic hearing loss 2. Last evaluated: 2017-09-07. Review status: no assertion criteria provided. Collection method: clinical testing. Allele origin: unknown. Not counted in ClinVar's aggregate classification.

NM_000260.4(MYO7A):c.2724C>T (p.Asp908=)

Gene: MYO7A (myosin VIIA; plus strand). Cytogenetic location: 11q13.5.
Variant type: single nucleotide variant.
Coding change: c.2724C>T on transcript NM_000260.4 (MANE Select); coding-DNA position 2724, C replaced by T.
Protein change: p.Asp908=; no amino-acid change (aspartic acid 908 retained).
Molecular consequence: synonymous variant.
Genome position (GRCh38, 1-based): chr11:77,181,409, C>T. VCF-style: chr11-77181409-C-T. GRCh37 (hg19) VCF-style: chr11-76892455-C-T.
Other names: c.2724C>T, p.Asp908= (NM_001127180.2); c.2691C>T, p.Asp897= (NM_001369365.1).
Identifiers: ClinVar variation 43190 (VCV000043190.16), dbSNP rs199979876, ClinGen allele CA132263.